The following is an entry in ClinVar:

ClinVar aggregate classification (germline): Pathogenic (1 of 4 stars; one submission).

Submission:

GeneDx
Classification: Pathogenic. Last evaluated: 2024-12-16. Review status: criteria provided, single submitter. Criteria: GeneDx Variant Classification Process June 2021. Collection method: clinical testing. Allele origin: germline. Affected: yes.
Comment: Not observed at significant frequency in large population cohorts (gnomAD); In silico analysis supports that this missense variant has a deleterious effect on protein structure/function; This variant is associated with the following publications: (PMID: 34530748, 33860439)

NM_004187.5(KDM5C):c.1516A>G (p.Met506Val)

Gene: KDM5C (lysine demethylase 5C; minus strand). Cytogenetic location: Xp11.22.
Variant type: single nucleotide variant.
Coding change: c.1516A>G on transcript NM_004187.5 (MANE Select); coding-DNA position 1516, A replaced by G.
Protein change: p.Met506Val; replaces methionine 506 with valine.
Molecular consequence: missense variant. On other transcripts: non-coding transcript variant (3).
Genome position (GRCh38, 1-based): chrX:53,210,743, T>C on the plus strand (A>G on the coding strand, the complement: KDM5C is on the minus strand). VCF-style: chrX-53210743-T-C. GRCh37 (hg19) VCF-style: chrX-53239925-T-C.
Other names: c.1315A>G, p.Met439Val (NM_001146702.2); c.1513A>G, p.Met505Val (NM_001282622.3, NM_001353979.2, NM_001353982.2); c.1516A>G, p.Met506Val (NM_001353978.3, NM_001353981.2, NM_001353984.2); short protein forms M439V, M505V, M506V.
Identifiers: ClinVar variation 3906495 (VCV003906495.1).